The following is an entry in ClinVar:

NM_001318852.2(MAPK8IP3):c.1855C>T (p.Pro619Ser)

Gene: MAPK8IP3 (mitogen-activated protein kinase 8 interacting protein 3; plus strand). Cytogenetic location: 16p13.3.
Variant type: single nucleotide variant.
Coding change: c.1855C>T on transcript NM_001318852.2 (MANE Select); coding-DNA position 1855, C replaced by T.
Protein change: p.Pro619Ser; replaces proline 619 with serine.
Molecular consequence: missense variant.
Genome position (GRCh38, 1-based): chr16:1,762,963, C>T. VCF-style: chr16-1762963-C-T. GRCh37 (hg19) VCF-style: chr16-1812964-C-T.
Other names: c.1834C>T, p.Pro612Ser (NM_001040439.2); c.1852C>T, p.Pro618Ser (NM_015133.5, NM_033392.3); short protein forms P612S, P618S, P619S.
Identifiers: ClinVar variation 3040247 (VCV003040247.2), dbSNP rs2548098363, ClinGen allele CA394232923.

ClinVar aggregate classification (germline): Uncertain significance (0 of 4 stars; one submission).

Conditions:
MAPK8IP3-related disorder. Also called: MAPK8IP3-related condition.

Submission:

PreventionGenetics, part of Exact Sciences
Classification: Uncertain significance for MAPK8IP3-related condition. Last evaluated: 2024-01-25. Review status: no assertion criteria provided. Collection method: clinical testing. Allele origin: germline.
Comment: The MAPK8IP3 c.1855C>T variant is predicted to result in the amino acid substitution p.Pro619Ser. To our knowledge, this variant has not been reported in the literature or in a large population database, indicating this variant is rare. At this time, the clinical significance of this variant is uncertain due to the absence of conclusive functional and genetic evidence.